The following is an entry in ClinVar:

ClinVar aggregate classification (germline): Uncertain significance (1 of 4 stars; one submission).

Conditions:
KMT2E-related disorder. Also called: KMT2E-related condition.

Submission:

PreventionGenetics, part of Exact Sciences
Classification: Uncertain significance for KMT2E-related condition. Last evaluated: 2026-07-14. Review status: criteria provided, single submitter. Criteria: ACMG Guidelines, 2015. Collection method: clinical testing. Allele origin: germline.
Comment: The KMT2E c.5327A>C variant is predicted to result in the amino acid substitution p.Gln1776Pro. To our knowledge, this variant has not been reported in the literature or in a large population database (gnomAD), indicating this variant is rare. At this time, the clinical significance of this variant is uncertain due to the absence of conclusive functional and genetic evidence.

NM_182931.3(KMT2E):c.5327A>C (p.Gln1776Pro)

Gene: KMT2E (lysine methyltransferase 2E (inactive); plus strand). Cytogenetic location: 7q22.3.
Variant type: single nucleotide variant.
Coding change: c.5327A>C on transcript NM_182931.3 (MANE Select); coding-DNA position 5327, A replaced by C.
Protein change: p.Gln1776Pro; replaces glutamine 1776 with proline.
Molecular consequence: missense variant.
Genome position (GRCh38, 1-based): chr7:105,113,083, A>C. VCF-style: chr7-105113083-A-C. GRCh37 (hg19) VCF-style: chr7-104753530-A-C.
Other names: c.5201A>C, p.Gln1734Pro (NM_001410908.1); c.5327A>C, p.Gln1776Pro (NM_018682.4); short protein forms Q1734P, Q1776P.
Identifiers: ClinVar variation 4992507 (VCV004992507.1).